The following is an entry in ClinVar:

NM_003998.4(NFKB1):c.1753-1G>C

Gene: NFKB1 (nuclear factor kappa B subunit 1; plus strand). Cytogenetic location: 4q24.
Variant type: single nucleotide variant.
Coding change: c.1753-1G>C on transcript NM_003998.4 (MANE Select); the canonical splice acceptor site of the intron before coding-DNA position 1753, G replaced by C.
Molecular consequence: splice acceptor variant.
Genome position (GRCh38, 1-based): chr4:102,606,495, G>C. VCF-style: chr4-102606495-G-C. GRCh37 (hg19) VCF-style: chr4-103527652-G-C.
Other names: c.1753-1G>C (NM_001382626.1, NM_001382625.1); c.1750-1G>C (NM_001382627.1, NM_001165412.2, NM_001319226.2); c.1711-1G>C (NM_001382628.1).
Identifiers: ClinVar variation 2827689 (VCV002827689.4), dbSNP rs2476539565, ClinGen allele CA357751827.

ClinVar aggregate classification (germline): Likely pathogenic. Review status: criteria provided, multiple submitters, no conflicts (2 of 4 stars). 2 submissions from 2 submitters: Likely pathogenic (2). Last evaluated 2024-06-24.

Conditions:
Common variable immunodeficiency (CVID). Also called: Common variable hypogamma-globulinemia; Common variable agammaglobulinemia. Identifiers: Orphanet 1572, MedGen C0009447, MONDO:0015517.

Submissions (2):

Labcorp Genetics (formerly Invitae), Labcorp
Classification: Likely pathogenic. Last evaluated: 2024-06-24. Review status: criteria provided, single submitter. Criteria: Invitae Variant Classification Sherloc (09022015). Collection method: clinical testing. Allele origin: germline.
Comment: This sequence change affects an acceptor splice site in intron 16 of the NFKB1 gene. It is expected to disrupt RNA splicing. Variants that disrupt the donor or acceptor splice site typically lead to a loss of protein function (PMID: 16199547), and loss-of-function variants in NFKB1 are known to be pathogenic (PMID: 26279205, 29477724). This variant is not present in population databases (gnomAD no frequency). This variant has not been reported in the literature in individuals affected with NFKB1-related conditions. Algorithms developed to predict the effect of sequence changes on RNA splicing suggest that this variant may disrupt the consensus splice site. In summary, the currently available evidence indicates that the variant is pathogenic, but additional data are needed to prove that conclusively. Therefore, this variant has been classified as Likely Pathogenic.

Laboratory for Molecular Medicine, Mass General Brigham Personalized Medicine
Classification: Likely pathogenic. Last evaluated: 2022-08-31. Review status: criteria provided, single submitter. Criteria: ACMG Guidelines, 2015. Collection method: clinical testing. Allele origin: germline. Inheritance: Autosomal dominant inheritance.
Comment: The c.1753-1G>C variant in NFKB1 has not been previously reported in individuals with immunodeficiency and was absent from large population studies. This variant occurs within the canonical splice site (+/- 1,2) and is predicted to cause altered splicing leading to an abnormal or absent protein. Loss of function of the NFKB1 gene is an established disease mechanism in autosomal dominant immunodeficiency. In summary, although additional studies are required to fully establish its clinical significance, this variant meets criteria to be classified as likely pathogenic for autosomal dominant common variable immunodeficiency. ACMG/AMP Criteria applied: PVS1, PM2_P.

Literature cited by the submitters: PubMed 16199547 (cited by Labcorp Genetics (formerly Invitae), Labcorp); PubMed 26279205 (cited by Labcorp Genetics (formerly Invitae), Labcorp); PubMed 29477724 (cited by Labcorp Genetics (formerly Invitae), Labcorp).